The following is an entry in ClinVar:

NM_181882.3(PRX):c.457C>T (p.Pro153Ser)

Gene: PRX (periaxin; minus strand). Cytogenetic location: 19q13.2.
Variant type: single nucleotide variant.
Coding change: c.457C>T on transcript NM_181882.3 (MANE Select); coding-DNA position 457, C replaced by T.
Protein change: p.Pro153Ser; replaces proline 153 with serine.
Molecular consequence: missense variant. On other transcripts: 3 prime UTR variant (1).
Genome position (GRCh38, 1-based): chr19:40,397,895, G>A on the plus strand (C>T on the coding strand, the complement: PRX is on the minus strand). VCF-style: chr19-40397895-G-A. GRCh37 (hg19) VCF-style: chr19-40903802-G-A.
Other names: c.*662C>T (NM_020956.2); short protein forms P153S.
Identifiers: ClinVar variation 543367 (VCV000543367.7), dbSNP rs760295364, ClinGen allele CA9444455.
Genomic context (GRCh38, chr19:40,397,895, plus strand): 5'-CGGCTTTGAGGCCCCGACGCAGGCGGGAGAACTTGGGAAAGGAGAACTCGACGTCAACAG[G>A]GGCCAGGTCAGCGGGGACCCCCAGAGCCCCAGGCACCATCTTCTTCTTCTTCACAGGGGA-3'
Protein context (NP_870998.2, residues 143-163): GALGVPADLA[Pro153Ser]VDVEFSFPKF

ClinVar aggregate classification (germline): Uncertain significance (1 of 4 stars; one submission).

Conditions:
Charcot-Marie-Tooth disease type 4. Also called: Charcot-Marie-Tooth, Type 4; Charcot-Marie-Tooth disease, type IV. Identifiers: Orphanet 64749, MedGen C4082197, MONDO:0018995.

Allele frequency attached by ClinVar (database versions not stated): ExAC 0.00001; gnomAD exomes 0.00001 and 0.00002; gnomAD 0.00002; TOPMed 0.00002.
gnomAD v4.1: 24 of 1,612,268 alleles (0.0015%); highest among the groups gnomAD compares: Non-Finnish European, 0.002%; no homozygotes.

Submission:

Labcorp Genetics (formerly Invitae), Labcorp
Classification: Uncertain significance for Charcot-Marie-Tooth disease type 4. Last evaluated: 2022-07-06. Review status: criteria provided, single submitter. Criteria: Invitae Variant Classification Sherloc (09022015). Collection method: clinical testing. Allele origin: germline.
Comment: ClinVar contains an entry for this variant (Variation ID: 543367). In summary, the available evidence is currently insufficient to determine the role of this variant in disease. Therefore, it has been classified as a Variant of Uncertain Significance. Algorithms developed to predict the effect of missense changes on protein structure and function are either unavailable or do not agree on the potential impact of this missense change (SIFT: "Deleterious"; PolyPhen-2: "Possibly Damaging"; Align-GVGD: "Class C0"). This variant has not been reported in the literature in individuals affected with PRX-related conditions. The frequency data for this variant in the population databases is considered unreliable, as metrics indicate poor data quality at this position in the gnomAD database. This sequence change replaces proline, which is neutral and non-polar, with serine, which is neutral and polar, at codon 153 of the PRX protein (p.Pro153Ser).